The following is an entry in ClinVar:

NM_001199107.2(TBC1D24):c.1342A>G (p.Lys448Glu)

Gene: TBC1D24 (TBC1 domain family member 24; plus strand). Cytogenetic location: 16p13.3.
Variant type: single nucleotide variant.
Coding change: c.1342A>G on transcript NM_001199107.2 (MANE Select); coding-DNA position 1342, A replaced by G.
Protein change: p.Lys448Glu; replaces lysine 448 with glutamic acid.
Molecular consequence: missense variant.
Genome position (GRCh38, 1-based): chr16:2,500,307, A>G. VCF-style: chr16-2500307-A-G. GRCh37 (hg19) VCF-style: chr16-2550308-A-G.
Other names: c.1324A>G, p.Lys442Glu (NM_020705.3); short protein forms K448E, K442E.
Identifiers: ClinVar variation 2935492 (VCV002935492.3), dbSNP rs2505526407, ClinGen allele CA394380578.

ClinVar aggregate classification (germline): Uncertain significance (1 of 4 stars; one submission).

Conditions:
Autosomal dominant nonsyndromic hearing loss 65. Also called: Deafness, autosomal dominant 65; TBC1D24-Related Autosomal Dominant Nonsyndromic Hearing Loss (DFNA). Identifiers: Orphanet 90635, MedGen C3892048, MONDO:0014470, OMIM 616044.
Developmental and epileptic encephalopathy, 1 (DEE1). Also called: INFANTILE SPASM SYNDROME, X-LINKED 1; X-linked infantile spasms; West's syndrome; Tonic spasms with clustering, arrest of psychomotor development and hypsarrhythmia on EEG; X-Linked Infantile Spasm Syndrome; OHTAHARA SYNDROME, X-LINKED. Identifiers: MedGen C3463992, MONDO:0010632, OMIM 308350. Disease mechanism: loss of function.

Allele frequency attached by ClinVar (database versions not stated): gnomAD exomes 0.00001.

Submission:

Labcorp Genetics (formerly Invitae), Labcorp
Classification: Uncertain significance for Developmental and epileptic encephalopathy, 1; Autosomal dominant nonsyndromic hearing loss 65. Last evaluated: 2023-10-22. Review status: criteria provided, single submitter. Criteria: Invitae Variant Classification Sherloc (09022015). Collection method: clinical testing. Allele origin: germline.
Comment: This sequence change replaces lysine, which is basic and polar, with glutamic acid, which is acidic and polar, at codon 448 of the TBC1D24 protein (p.Lys448Glu). This variant is not present in population databases (gnomAD no frequency). This variant has not been reported in the literature in individuals affected with TBC1D24-related conditions. Advanced modeling of protein sequence and biophysical properties (such as structural, functional, and spatial information, amino acid conservation, physicochemical variation, residue mobility, and thermodynamic stability) performed at Invitae indicates that this missense variant is not expected to disrupt TBC1D24 protein function. In summary, the available evidence is currently insufficient to determine the role of this variant in disease. Therefore, it has been classified as a Variant of Uncertain Significance.